The following is an entry in ClinVar:

NM_000020.3(ACVRL1):c.132delinsCACATTGCAAGGTGCAAGGGTGC (p.Cys46fs)

Gene: ACVRL1 (activin A receptor like type 1; plus strand). Cytogenetic location: 12q13.13.
Variant type: Indel.
Coding change: c.132delinsCACATTGCAAGGTGCAAGGGTGC on transcript NM_000020.3 (MANE Select); coding-DNA position 132, T replaced by CACATTGCAAGGTGCAAGGGTGC.
Protein change: p.Cys46fs; shifts the reading frame from cysteine 46.
Molecular consequence: frameshift variant.
Genome position (GRCh38, 1-based): chr12:51,913,169, T replaced by CACATTGCAAGGTGCAAGGGTGC. VCF-style: chr12-51913169-T-CACATTGCAAGGTGCAAGGGTGC. GRCh37 (hg19) VCF-style: chr12-52306953-T-CACATTGCAAGGTGCAAGGGTGC.
Other names: c.132delinsCACATTGCAAGGTGCAAGGGTGC, p.Cys46fs (NM_001077401.2); c.132delTinsCACATTGCAAGGTGCAAGGGTGC, p.Cys46Leufs (NM_001406487.1, NM_001406488.1, NM_001406489.1 and 5 more transcripts); short protein forms C46fs.
Identifiers: ClinVar variation 1976253 (VCV001976253.4), dbSNP rs2540158414, ClinGen allele CA2580086432.

ClinVar aggregate classification (germline): Pathogenic (1 of 4 stars; one submission).

Conditions:
Telangiectasia, hereditary hemorrhagic, type 2 (HHT2). Also called: ACVRL1-Related Hereditary Hemorrhagic Telangiectasia; Telangiectasia, hereditary hemorrhagic, type II. Identifiers: Orphanet 774, MedGen C1838163, MONDO:0010880, OMIM 600376. Disease mechanism: loss of function.

Submission:

Labcorp Genetics (formerly Invitae), Labcorp
Classification: Pathogenic for Telangiectasia, hereditary hemorrhagic, type 2. Last evaluated: 2019-10-22. Review status: criteria provided, single submitter. Criteria: Invitae Variant Classification Sherloc (09022015). Collection method: clinical testing. Allele origin: germline.
Comment: This variant has not been reported in the literature in individuals with ACVRL1-related conditions. Loss-of-function variants in ACVRL1 are known to be pathogenic (PMID: 15879500). For these reasons, this variant has been classified as Pathogenic. This sequence change creates a premature translational stop signal (p.Cys46Leufs*130) in the ACVRL1 gene. It is expected to result in an absent or disrupted protein product. This variant is not present in population databases (ExAC no frequency).

Literature cited by the submitters: PubMed 15879500.